The following is an entry in ClinVar:

ClinVar aggregate classification (germline): Uncertain significance (1 of 4 stars; one submission).

gnomAD v4.1: 1 of 1,614,134 alleles (0.000062%); highest among the groups gnomAD compares: Non-Finnish European, 0.000085%; no homozygotes.

Submission:

GeneDx
Classification: Uncertain significance. Last evaluated: 2023-02-24. Review status: criteria provided, single submitter. Criteria: GeneDx Variant Classification Process June 2021. Collection method: clinical testing. Allele origin: germline. Affected: yes.
Comment: Not observed in large population cohorts (gnomAD); In silico analysis supports that this missense variant does not alter protein structure/function; Has not been previously published as pathogenic or benign to our knowledge

NM_001282531.3(ADNP):c.2617G>A (p.Asp873Asn)

Gene: ADNP (activity dependent neuroprotector homeobox; minus strand). Cytogenetic location: 20q13.13.
Variant type: single nucleotide variant.
Coding change: c.2617G>A on transcript NM_001282531.3 (MANE Select); coding-DNA position 2617, G replaced by A.
Protein change: p.Asp873Asn; replaces aspartic acid 873 with asparagine.
Molecular consequence: missense variant.
Genome position (GRCh38, 1-based): chr20:50,892,097, C>T on the plus strand (G>A on the coding strand, the complement: ADNP is on the minus strand). VCF-style: chr20-50892097-C-T. GRCh37 (hg19) VCF-style: chr20-49508634-C-T.
Other names: c.2617G>A, p.Asp873Asn (NM_001282532.2, NM_001347511.2, NM_015339.5 and 1 more transcripts); short protein forms D873N.
Identifiers: ClinVar variation 2430652 (VCV002430652.1), dbSNP rs147299402, ClinGen allele CA408968753.
Genomic context (GRCh38, chr20:50,892,097, plus strand): 5'-AAGGGCTACCACTTTCATTGGATTCTTCTTCCAAATTTTCAAAACTGTCTGAGGAACTGT[C>T]ATCTTCCTTCCCAAGGTTGAGCTTTTTGTCAGCAGTCTTACTAGCATTGACTCTGGAATC-3'
Protein context (NP_001269460.1, residues 863-883): DKKLNLGKED[Asp873Asn]SSSDSFENLE